The following is an entry in ClinVar:

NM_144666.3(DNHD1):c.8829G>C (p.Leu2943=)

Gene: DNHD1 (dynein heavy chain domain 1; plus strand). Cytogenetic location: 11p15.4.
Variant type: single nucleotide variant.
Coding change: c.8829G>C on transcript NM_144666.3 (MANE Select); coding-DNA position 8829, G replaced by C.
Protein change: p.Leu2943=; no amino-acid change (leucine 2943 retained).
Molecular consequence: synonymous variant.
Genome position (GRCh38, 1-based): chr11:6,558,124, G>C. VCF-style: chr11-6558124-G-C. GRCh37 (hg19) VCF-style: chr11-6579354-G-C.
Identifiers: ClinVar variation 3055834 (VCV003055834.2), dbSNP rs16915382, ClinGen allele CA5856333.

ClinVar aggregate classification (germline): Benign (0 of 4 stars; one submission).

Conditions:
DNHD1-related disorder. Also called: DNHD1-related condition.

Allele frequency attached by ClinVar (database versions not stated): ExAC 0.20487; 1000 Genomes Project 0.22843; gnomAD 0.22944; 1000 Genomes Project 30x 0.23485; ESP Exome Variant Server 0.24945; TOPMed 0.24993.
gnomAD v4.1: 226,718 of 1,551,582 alleles (15%); highest among the groups gnomAD compares: African/African-American, 52%; 23,211 homozygotes.

Submission:

PreventionGenetics, part of Exact Sciences
Classification: Benign for DNHD1-related condition. Last evaluated: 2019-11-12. Review status: no assertion criteria provided. Collection method: clinical testing. Allele origin: germline.
Comment: This variant is classified as benign based on ACMG/AMP sequence variant interpretation guidelines (Richards et al. 2015 PMID: 25741868, with internal and published modifications).